The following is an entry in ClinVar:

ClinVar aggregate classification (germline): Likely benign. Review status: criteria provided, multiple submitters, no conflicts (2 of 4 stars). 5 submissions from 5 submitters: Likely benign (5). Last evaluated 2025-07-06.

Conditions:
Hereditary cancer-predisposing syndrome. Also called: Neoplastic Syndromes, Hereditary; Tumor predisposition; Hereditary Cancer Syndrome; Hereditary neoplastic syndrome. Identifiers: Orphanet 140162, MedGen C0027672, MeSH D009386, MONDO:0015356.
Tuberous sclerosis syndrome (TSC). Also called: Tuberous Sclerosis Complex; Tuberous sclerosis. Identifiers: Orphanet 805, MedGen C0041341, MONDO:0001734.
Tuberous sclerosis 2 (TSC2). Identifiers: Orphanet 805, MedGen C1860707, MONDO:0013199, OMIM 613254.

Allele frequency attached by ClinVar (database versions not stated): TOPMed below 0.00001.
gnomAD v4.1: 1 of 1,613,452 alleles (0.000062%); highest among the groups gnomAD compares: Non-Finnish European, 0.000085%; no homozygotes.

Submissions (5):

Labcorp Genetics (formerly Invitae), Labcorp
Classification: Likely benign for Tuberous sclerosis 2. Last evaluated: 2025-07-06. Review status: criteria provided, single submitter. Criteria: Invitae Variant Classification Sherloc (09022015). Collection method: clinical testing. Allele origin: germline.

Myriad Genetics, Inc.
Classification: Likely benign for Tuberous sclerosis 2. Last evaluated: 2025-05-15. Review status: criteria provided, single submitter. Criteria: Myriad Autosomal Dominant, Autosomal Recessive and X-Linked Classification Criteria (2023). Collection method: clinical testing. Allele origin: unknown.
Comment: This variant is considered likely benign. This variant is intronic and is not expected to impact mRNA splicing.

Ambry Genetics
Classification: Likely benign for Hereditary cancer-predisposing syndrome. Last evaluated: 2024-09-28. Review status: criteria provided, single submitter. Criteria: Ambry Variant Classification Scheme 2023. Collection method: clinical testing. Allele origin: germline.

All of Us Research Program, National Institutes of Health
Classification: Likely benign for Tuberous sclerosis syndrome. Last evaluated: 2023-09-17. Review status: criteria provided, single submitter. Criteria: ACMG Guidelines, 2015. Collection method: clinical testing. Allele origin: germline. Inheritance: Autosomal dominant inheritance. Observed: 1 variant allele, 1 heterozygote.
Comment: This study involves interpretation of variants in research participants for the purpose of population health screening. Participant phenotype was not available at the time of variant classification. Additional details can be found in publication PMID: 35346344, PMCID: PMC8962531

Blueprint Genetics
Classification: Likely benign. Last evaluated: 2022-11-17. Review status: criteria provided, single submitter. Criteria: ACMG Guidelines, 2015. Collection method: clinical testing. Allele origin: germline.

NM_000548.5(TSC2):c.1840-4A>C

Gene: TSC2 (TSC complex subunit 2; plus strand). Cytogenetic location: 16p13.3.
Variant type: single nucleotide variant.
Coding change: c.1840-4A>C on transcript NM_000548.5 (MANE Select); 4 bases into the intron before coding-DNA position 1840, A replaced by C.
Molecular consequence: intron variant.
Genome position (GRCh38, 1-based): chr16:2,071,506, A>C. VCF-style: chr16-2071506-A-C. GRCh37 (hg19) VCF-style: chr16-2121507-A-C.
Other names: c.1840-4A>C (NM_001114382.3, NM_021055.3, NM_001370405.1 and 3 more transcripts); c.1729-4A>C (NM_001318827.2); c.1240-4A>C (NM_001318831.2); c.1693-4A>C (NM_001318829.2); c.1873-4A>C (NM_001318832.2).
Identifiers: ClinVar variation 413742 (VCV000413742.15), dbSNP rs1057523736, ClinGen allele CA16615054.